The following is an entry in ClinVar:

NM_000038.6(APC):c.4708G>A (p.Asp1570Asn)

Gene: APC (APC regulator of Wnt signaling pathway; plus strand). Cytogenetic location: 5q22.2.
Variant type: single nucleotide variant.
Coding change: c.4708G>A on transcript NM_000038.6 (MANE Select); coding-DNA position 4708, G replaced by A.
Protein change: p.Asp1570Asn; replaces aspartic acid 1570 with asparagine.
Molecular consequence: missense variant. On other transcripts: non-coding transcript variant (2).
Genome position (GRCh38, 1-based): chr5:112,840,302, G>A. VCF-style: chr5-112840302-G-A. GRCh37 (hg19) VCF-style: chr5-112175999-G-A.
Other names: c.4708G>A, p.Asp1570Asn (NM_001127510.3, NM_001407450.1, NM_001354895.2); c.4654G>A, p.Asp1552Asn (NM_001127511.3); c.4228G>A, p.Asp1410Asn (NM_001354905.2); c.3859G>A, p.Asp1287Asn (NM_001354906.2, NM_001407470.1); c.4792G>A, p.Asp1598Asn (NM_001407446.1); c.4762G>A, p.Asp1588Asn (NM_001407447.1, NM_001407448.1, NM_001407449.1 and 1 more transcripts); c.4687G>A, p.Asp1563Asn (NM_001407451.1); c.4678G>A, p.Asp1560Asn (NM_001407452.1); and 12 more; short protein forms D1287N, D1410N, D1469N, D1552N, D1588N, D1441N, D1529N, D1542N.
Identifiers: ClinVar variation 3591573 (VCV003591573.1).

ClinVar aggregate classification (germline): Uncertain significance. Review status: criteria provided, multiple submitters, no conflicts (2 of 4 stars). 2 submissions from 2 submitters: Uncertain significance (2). Last evaluated 2025-11-24.

Conditions:
Hereditary cancer-predisposing syndrome. Also called: Neoplastic Syndromes, Hereditary; Tumor predisposition; Hereditary Cancer Syndrome; Hereditary neoplastic syndrome. Identifiers: Orphanet 140162, MedGen C0027672, MeSH D009386, MONDO:0015356.
Gastric cancer. Also called: Stomach cancer; Malignant tumor of stomach. Identifiers: MedGen C0024623, MeSH D013274, MONDO:0001056, OMIM 613659, HP:0012126.
Hepatocellular carcinoma (HCC). Also called: Primary carcinoma of liver; HEPATOMA; LIVER CELL CARCINOMA. Identifiers: Orphanet 88673, MedGen C2239176, MONDO:0007256, OMIM 114550, HP:0001402.
Colorectal cancer. Also called: Colorectal cancer, somatic; Malignant Colorectal Neoplasm. Identifiers: MedGen C0346629, MONDO:0005575, OMIM 114500.
Gastric adenocarcinoma and proximal polyposis of the stomach (GAPPS). Also called: Gastric Adenocarcinoma and Proximal Polyposis of the Stomach (GAPPS); Polyposis, gastric, Dos Santos and de Magalhaes 1980; POLYPOSIS, GASTRIC. Identifiers: Orphanet 314022, MedGen C4749917, MONDO:0017790, OMIM 619182.
Desmoid disease, hereditary (DESMD). Also called: FIBROMATOSIS, FAMILIAL INFILTRATIVE. Identifiers: Orphanet 873, MedGen C1851124, OMIM 135290. Disease mechanism: loss of function.
Familial adenomatous polyposis 1 (FAP1). Also called: FAMILIAL ADENOMATOUS POLYPOSIS 1, ATTENUATED; POLYPOSIS, ADENOMATOUS INTESTINAL. Identifiers: MedGen C2713442, MONDO:0021056, OMIM 175100. Disease mechanism: loss of function.

Submissions (2):

Ambry Genetics
Classification: Uncertain significance for Hereditary cancer-predisposing syndrome. Last evaluated: 2025-11-24. Review status: criteria provided, single submitter. Criteria: Ambry Variant Classification Scheme 2023. Collection method: clinical testing. Allele origin: germline.
Comment: The p.D1570N variant (also known as c.4708G>A), located in coding exon 15 of the APC gene, results from a G to A substitution at nucleotide position 4708. The aspartic acid at codon 1570 is replaced by asparagine, an amino acid with highly similar properties. This amino acid position is highly conserved in available vertebrate species. In addition, in silico predictors for this gene do not accurately predict pathogenicity. Missense variants in APC are not a common cause of disease (Spier I et al. Genet Med. 2024 Feb;26(2):100992). Based on the available evidence, the clinical significance of this variant remains unclear.

Fulgent Genetics
Classification: Uncertain significance for Colorectal cancer; Hepatocellular carcinoma; Desmoid disease, hereditary; Familial adenomatous polyposis 1; Gastric cancer; Gastric adenocarcinoma and proximal polyposis of the stomach. Last evaluated: 2024-03-20. Review status: criteria provided, single submitter. Criteria: ACMG Guidelines, 2015. Collection method: clinical testing. Allele origin: germline.